The following is an entry in ClinVar:

NM_000059.4(BRCA2):c.4117_4118del (p.Met1373fs)

Gene: BRCA2 (BRCA2 DNA repair associated; plus strand). Cytogenetic location: 13q13.1.
Variant type: Deletion.
Coding change: c.4117_4118del on transcript NM_000059.4 (MANE Select); coding-DNA positions 4117 to 4118, 2 bases deleted (AT; older notation c.4117_4118delAT).
Protein change: p.Met1373fs; shifts the reading frame from methionine 1373.
Molecular consequence: frameshift variant.
Genome position (GRCh38, 1-based): chr13:32,338,472-32,338,473, AT deleted; deleting any 2 consecutive bases within chr13:32,338,471-32,338,473 gives the same sequence; the c. name uses the placement nearest the transcript's 3' end. VCF-style (leftmost placement, unchanged base first): chr13-32338470-TTA-T. GRCh37 (hg19) VCF-style: chr13-32912607-TTA-T.
Other names: short protein forms M1373fs.
Identifiers: ClinVar variation 1454344 (VCV001454344.6), dbSNP rs2137503053, ClinGen allele CA2573149366.

ClinVar aggregate classification (germline): Pathogenic (1 of 4 stars; one submission).

Conditions:
Hereditary breast ovarian cancer syndrome. Also called: Hereditary breast and ovarian cancer; Hereditary breast and ovarian cancer syndrome (HBOC); Breast and ovarian cancer; Hereditary breast and ovarian cancer syndrome; Hereditary breast and/or ovarian cancer syndrome; BRCA1- and BRCA2-Associated Hereditary Breast and Ovarian Cancer. Identifiers: Orphanet 145, MedGen C0677776, MeSH D061325, MONDO:0003582. Disease mechanism: loss of function.

Submission:

Labcorp Genetics (formerly Invitae), Labcorp
Classification: Pathogenic for Hereditary breast ovarian cancer syndrome. Last evaluated: 2021-09-14. Review status: criteria provided, single submitter. Criteria: Invitae Variant Classification Sherloc (09022015). Collection method: clinical testing. Allele origin: germline.
Comment: For these reasons, this variant has been classified as Pathogenic. This variant has not been reported in the literature in individuals affected with BRCA2-related conditions. This variant is not present in population databases (ExAC no frequency). This sequence change creates a premature translational stop signal (p.Met1373Glufs*8) in the BRCA2 gene. It is expected to result in an absent or disrupted protein product. Loss-of-function variants in BRCA2 are known to be pathogenic (PMID: 20104584).

Literature cited by the submitters: PubMed 20104584.